The following is an entry in ClinVar:

ClinVar aggregate classification (germline): Uncertain significance (1 of 4 stars; one submission).

Conditions:
Progressive familial heart block type IB (PFHB1B). Identifiers: Orphanet 871, MedGen C1970298, MONDO:0011474, OMIM 604559.

Submission:

Labcorp Genetics (formerly Invitae), Labcorp
Classification: Uncertain significance for Progressive familial heart block type IB. Last evaluated: 2025-04-23. Review status: criteria provided, single submitter. Criteria: Invitae Variant Classification Sherloc (09022015). Collection method: clinical testing. Allele origin: germline.
Comment: This sequence change replaces glutamic acid, which is acidic and polar, with glycine, which is neutral and non-polar, at codon 949 of the TRPM4 protein (p.Glu949Gly). This variant is not present in population databases (gnomAD no frequency). This variant has not been reported in the literature in individuals affected with TRPM4-related conditions. An algorithm developed to predict the effect of missense changes on protein structure and function (PolyPhen-2) suggests that this variant is likely to be disruptive. In summary, the available evidence is currently insufficient to determine the role of this variant in disease. Therefore, it has been classified as a Variant of Uncertain Significance.

NM_017636.4(TRPM4):c.2846A>G (p.Glu949Gly)

Gene: TRPM4 (transient receptor potential cation channel subfamily M member 4; plus strand). Cytogenetic location: 19q13.33.
Variant type: single nucleotide variant.
Coding change: c.2846A>G on transcript NM_017636.4 (MANE Select); coding-DNA position 2846, A replaced by G.
Protein change: p.Glu949Gly; replaces glutamic acid 949 with glycine.
Molecular consequence: missense variant.
Genome position (GRCh38, 1-based): chr19:49,200,678, A>G. VCF-style: chr19-49200678-A-G. GRCh37 (hg19) VCF-style: chr19-49703935-A-G.
Other names: c.2411A>G, p.Glu804Gly (NM_001195227.2); c.2501A>G, p.Glu834Gly (NM_001321281.2); c.1238A>G, p.Glu413Gly (NM_001321282.2); c.2324A>G, p.Glu775Gly (NM_001321283.2); c.1784A>G, p.Glu595Gly (NM_001321285.2); short protein forms E413G, E804G, E949G, E595G, E775G, E834G.
Identifiers: ClinVar variation 4718193 (VCV004718193.1).